The following is an entry in ClinVar:

ClinVar aggregate classification (germline): Pathogenic. Review status: criteria provided, single submitter (1 of 4 stars). 2 submissions from 2 submitters: Pathogenic (1). 1 of the submissions does not count toward it. Last evaluated 2022-07-26.

Conditions:
Bryant-Li-Bhoj neurodevelopmental syndrome 1 (BRYLIB1). Identifiers: MedGen C5676905, MONDO:0030606, OMIM 619720.

Submissions (2):

Labcorp Genetics (formerly Invitae), Labcorp
Classification: Pathogenic. Last evaluated: 2022-07-26. Review status: criteria provided, single submitter. Criteria: Invitae Variant Classification Sherloc (09022015). Collection method: clinical testing. Allele origin: germline.
Comment: Algorithms developed to predict the effect of missense changes on protein structure and function are either unavailable or do not agree on the potential impact of this missense change (SIFT: "Deleterious"; PolyPhen-2: "Benign"; Align-GVGD: "Class C65"). This sequence change replaces arginine, which is basic and polar, with glycine, which is neutral and non-polar, at codon 18 of the H3F3A protein (p.Arg18Gly). This variant is not present in population databases (gnomAD no frequency). This missense change has been observed in individual(s) with Bryant-Li-Bhoj neurodevelopmental syndrome (PMID: 33268356). In at least one individual the variant was observed to be de novo. This variant is also known as p.R17G. ClinVar contains an entry for this variant (Variation ID: 1339283). For these reasons, this variant has been classified as Pathogenic.

OMIM
Classification: Pathogenic for BRYANT-LI-BHOJ NEURODEVELOPMENTAL SYNDROME 1. Last evaluated: 2022-02-01. Review status: no assertion criteria provided. Collection method: literature only. Allele origin: germline. Not counted in ClinVar's aggregate classification.

Literature cited by the submitters: PubMed 33268356 (cited by Labcorp Genetics (formerly Invitae), Labcorp and OMIM).

NM_002107.7(H3-3A):c.52A>G (p.Arg18Gly)

Gene: H3-3A (H3.3 histone A; plus strand). Cytogenetic location: 1q42.12.
Variant type: single nucleotide variant.
Coding change: c.52A>G on transcript NM_002107.7 (MANE Select); coding-DNA position 52, A replaced by G.
Protein change: p.Arg18Gly; replaces arginine 18 with glycine.
Molecular consequence: missense variant.
Genome position (GRCh38, 1-based): chr1:226,064,403, A>G. VCF-style: chr1-226064403-A-G. GRCh37 (hg19) VCF-style: chr1-226252104-A-G.
Other names: H3F3A, ARG18GLY; c.52A>G, p.Arg18Gly (NM_001379043.1, NM_001379045.1, NM_001379046.1 and 1 more transcripts); short protein forms R18G.
Identifiers: ClinVar variation 1339283 (VCV001339283.7), dbSNP rs2102735576, ClinGen allele CA345015748.